The following is an entry in ClinVar:

ClinVar aggregate classification (germline): Likely benign (1 of 4 stars; one submission).

gnomAD v4.1: 8,741 of 1,614,108 alleles (0.54%); highest among the groups gnomAD compares: Non-Finnish European, 0.69%; 33 homozygotes.

Submission:

CeGaT Center for Human Genetics Tuebingen
Classification: Likely benign. Last evaluated: 2025-06-01. Review status: criteria provided, single submitter. Criteria: CeGaT Center For Human Genetics Tuebingen Variant Classification Criteria Version 2. Collection method: clinical testing. Allele origin: germline. Affected: yes. Observed: 1 variant allele.
Comment: STRIP1: BP4, BP7, BS2

NM_033088.4(STRIP1):c.1251T>C (p.Thr417=)

Gene: STRIP1 (striatin interacting protein 1; plus strand). Cytogenetic location: 1p13.3.
Variant type: single nucleotide variant.
Coding change: c.1251T>C on transcript NM_033088.4 (MANE Select); coding-DNA position 1251, T replaced by C.
Protein change: p.Thr417=; no amino-acid change (threonine 417 retained).
Molecular consequence: synonymous variant. On other transcripts: non-coding transcript variant (1).
Genome position (GRCh38, 1-based): chr1:110,043,821, T>C. VCF-style: chr1-110043821-T-C. GRCh37 (hg19) VCF-style: chr1-110586443-T-C.
Other names: c.966T>C, p.Thr322= (NM_001270768.2).
Identifiers: ClinVar variation 4083664 (VCV004083664.8).